The following is an entry in ClinVar:

ClinVar aggregate classification (germline): Uncertain significance (1 of 4 stars; one submission).

Conditions:
Inborn genetic diseases. Identifiers: MedGen C0950123, MeSH D030342.

Allele frequency attached by ClinVar (database versions not stated): TOPMed below 0.00001; gnomAD 0.00001.
gnomAD v4.1: 2 of 1,613,804 alleles (0.00012%); highest among the groups gnomAD compares: Non-Finnish European, 0.00017%; no homozygotes.

Submission:

Ambry Genetics
Classification: Uncertain significance for Inborn genetic diseases. Last evaluated: 2017-05-23. Review status: criteria provided, single submitter. Criteria: Ambry Variant Classification Scheme 2023. Collection method: clinical testing. Allele origin: germline.
Comment: The p.S1424Y variant (also known as c.4271C>A), located in coding exon 7 of the ANKRD11 gene, results from a C to A substitution at nucleotide position 4271. The serine at codon 1424 is replaced by tyrosine, an amino acid with dissimilar properties. This amino acid position is well conserved in available vertebrate species. In addition, this alteration is predicted to be tolerated by in silico analysis. Since supporting evidence is limited at this time, the clinical significance of this alteration remains unclear.

NM_013275.6(ANKRD11):c.4271C>A (p.Ser1424Tyr)

Gene: ANKRD11 (ankyrin repeat domain containing 11; minus strand). Cytogenetic location: 16q24.3.
Variant type: single nucleotide variant.
Coding change: c.4271C>A on transcript NM_013275.6 (MANE Select); coding-DNA position 4271, C replaced by A.
Protein change: p.Ser1424Tyr; replaces serine 1424 with tyrosine.
Molecular consequence: missense variant.
Genome position (GRCh38, 1-based): chr16:89,282,271, G>T on the plus strand (C>A on the coding strand, the complement: ANKRD11 is on the minus strand). VCF-style: chr16-89282271-G-T. GRCh37 (hg19) VCF-style: chr16-89348679-G-T.
Other names: c.4271C>A, p.Ser1424Tyr (NM_001256182.2, NM_001256183.2); short protein forms S1424Y.
Identifiers: ClinVar variation 589652 (VCV000589652.5), dbSNP rs1567569737, ClinGen allele CA397157941.
Genomic context (GRCh38, chr16:89,282,271, plus strand): 5'-TCCTTTTCTATTTTCTTGGAAGGTTCTCTCTCGGAATCATTTTTATCTTTCTTTTCGGTA[G>T]AAAACAATTCAATGGTTTTATCTAGCTCATCTTCTATGTCAGCTTTCATGTTGTAAGAAA-3'
Protein context (NP_037407.4, residues 1414-1434): DELDKTIELF[Ser1424Tyr]TEKKDKNDSE